The following is an entry in ClinVar:

ClinVar aggregate classification (germline): Uncertain significance (1 of 4 stars; one submission).

Conditions:
Familial adenomatous polyposis 1 (FAP1). Also called: FAMILIAL ADENOMATOUS POLYPOSIS 1, ATTENUATED; POLYPOSIS, ADENOMATOUS INTESTINAL. Identifiers: MedGen C2713442, MONDO:0021056, OMIM 175100. Disease mechanism: loss of function.

Allele frequency attached by ClinVar (database versions not stated): TOPMed below 0.00001; gnomAD 0.00001.

Submission:

Labcorp Genetics (formerly Invitae), Labcorp
Classification: Uncertain significance for Familial adenomatous polyposis 1. Last evaluated: 2024-10-01. Review status: criteria provided, single submitter. Criteria: Invitae Variant Classification Sherloc (09022015). Collection method: clinical testing. Allele origin: germline.
Comment: This variant occurs in a non-coding region of the APC gene. It does not change the encoded amino acid sequence of the APC protein. This variant is present in population databases (no rsID available, gnomAD 0.007%). This variant has not been reported in the literature in individuals affected with APC-related conditions. ClinVar contains an entry for this variant (Variation ID: 648672). Experimental studies and prediction algorithms are not available or were not evaluated, and the functional significance of this variant is currently unknown. In summary, the available evidence is currently insufficient to determine the role of this variant in disease. Therefore, it has been classified as a Variant of Uncertain Significance.

NC_000005.10:g.112707314G>A

Gene: APC (APC regulator of Wnt signaling pathway; plus strand). Cytogenetic location: 5q22.2.
Variant type: single nucleotide variant.
Genome position: GRCh38 VCF-style: chr5-112707314-G-A. GRCh37 (hg19) VCF-style: chr5-112043011-G-A.
Identifiers: ClinVar variation 648672 (VCV000648672.9), dbSNP rs1214142280, ClinGen allele CA561890071.
Genomic context (GRCh38, chr5:112,707,314, plus strand): 5'-CTCGATAGATGTTTGCGGAATAATGGACTAGTGTGTGCAGAAGGATCTATTAACTGGGCT[G>A]CAGCACAATTCAGAGAAGGCCAGTAAGTGCTGCAACTGAGACTCGGCTGCCTAGGCAGCA-3'